The following is an entry in ClinVar:

ClinVar aggregate classification (germline): Uncertain significance (1 of 4 stars; one submission).

gnomAD v4.1: 5 of 1,518,348 alleles (0.00033%); highest among the groups gnomAD compares: East Asian, 0.0024%; no homozygotes.

Submission:

GeneDx
Classification: Uncertain significance. Last evaluated: 2024-05-16. Review status: criteria provided, single submitter. Criteria: GeneDx Variant Classification Process June 2021. Collection method: clinical testing. Allele origin: germline. Affected: yes.
Comment: In silico analysis supports that this missense variant has a deleterious effect on protein structure/function; Has not been previously published as pathogenic or benign to our knowledge

NM_003392.7(WNT5A):c.463C>T (p.Arg155Cys)

Gene: WNT5A (Wnt family member 5A; minus strand). Cytogenetic location: 3p14.3.
Variant type: single nucleotide variant.
Coding change: c.463C>T on transcript NM_003392.7 (MANE Select); coding-DNA position 463, C replaced by T.
Protein change: p.Arg155Cys; replaces arginine 155 with cysteine.
Molecular consequence: missense variant.
Genome position (GRCh38, 1-based): chr3:55,474,558, G>A on the plus strand (C>T on the coding strand, the complement: WNT5A is on the minus strand). VCF-style: chr3-55474558-G-A. GRCh37 (hg19) VCF-style: chr3-55508586-G-A.
Other names: c.418C>T, p.Arg140Cys (NM_001256105.1, NM_001377271.1, NM_001377272.1); short protein forms R140C, R155C.
Identifiers: ClinVar variation 3378275 (VCV003378275.1).